The following is an entry in ClinVar:

ClinVar aggregate classification (germline): Likely benign (1 of 4 stars; one submission).

Allele frequency attached by ClinVar (database versions not stated): gnomAD 0.00014 and 0.00015; TOPMed 0.00015; ESP Exome Variant Server 0.00038.
gnomAD v4.1: 225 of 1,613,760 alleles (0.014%); highest among the groups gnomAD compares: Non-Finnish European, 0.017%; no homozygotes.

Submission:

GeneDx
Classification: Likely benign. Last evaluated: 2018-06-14. Review status: criteria provided, single submitter. Criteria: GeneDx Variant Classification (06012015). Collection method: clinical testing. Allele origin: germline. Affected: yes.
Comment: This variant is considered likely benign or benign based on one or more of the following criteria: it is a conservative change, it occurs at a poorly conserved position in the protein, it is predicted to be benign by multiple in silico algorithms, and/or has population frequency not consistent with disease.

NM_013391.3(DMGDH):c.1815-4G>A

Gene: DMGDH (dimethylglycine dehydrogenase; minus strand). Cytogenetic location: 5q14.1.
Variant type: single nucleotide variant.
Coding change: c.1815-4G>A on transcript NM_013391.3 (MANE Select); 4 bases into the intron before coding-DNA position 1815, G replaced by A.
Molecular consequence: intron variant.
Genome position (GRCh38, 1-based): chr5:79,028,654, C>T on the plus strand (G>A on the coding strand, the complement: DMGDH is on the minus strand). VCF-style: chr5-79028654-C-T. GRCh37 (hg19) VCF-style: chr5-78324477-C-T.
Identifiers: ClinVar variation 668664 (VCV000668664.1), dbSNP rs367920866, ClinGen allele CA3318605.
Genomic context (GRCh38, chr5:79,028,654, plus strand): 5'-GTTATGTTTTTAATTTCAACATCATATCCACCTTTGACTGCTTCTTCTTCAATCCATCTG[C>T]GTTTTAGTCATGAACATGGTGTTAAATATTGCTTGAATAATGTACTTTGGTAATAAATTA-3'